The following is an entry in ClinVar:

ClinVar aggregate classification (germline): Conflicting classifications of pathogenicity. Review status: criteria provided, conflicting classifications (1 of 4 stars). 8 submissions from 8 submitters: Uncertain significance (7); Likely benign (1). Last evaluated 2026-01-19.

Conditions:
Hereditary nonpolyposis colorectal neoplasms. Identifiers: MedGen C0009405, MeSH D003123.
Lynch syndrome 5 (LYNCH5). Also called: Hereditary non-polyposis colorectal cancer, type 5; Colorectal cancer, hereditary nonpolyposis, type 5. Identifiers: Orphanet 144, MedGen C1833477, MONDO:0013710, OMIM 614350. Disease mechanism: loss of function.
Hereditary cancer-predisposing syndrome. Also called: Tumor predisposition; Hereditary neoplastic syndrome; Hereditary Cancer Syndrome; Neoplastic Syndromes, Hereditary. Identifiers: Orphanet 140162, MedGen C0027672, MeSH D009386, MONDO:0015356.
Lynch syndrome. Identifiers: Orphanet 144, MedGen C4552100, MONDO:0005835. Disease mechanism: loss of function.
Endometrial carcinoma. Also called: Endometrial carcinoma, somatic. Identifiers: MedGen C0476089, MONDO:0002447, OMIM 608089, HP:0012114.

Allele frequency attached by ClinVar (database versions not stated): ExAC 0.00001; gnomAD 0.00001.

Submissions (8):

Labcorp Genetics (formerly Invitae), Labcorp
Classification: Likely benign for Hereditary nonpolyposis colorectal neoplasms. Last evaluated: 2026-01-19. Review status: criteria provided, single submitter. Criteria: Invitae Variant Classification Sherloc (09022015). Collection method: clinical testing. Allele origin: germline.

Dasa
Classification: Uncertain significance for Lynch syndrome 5. Last evaluated: 2025-10-22. Review status: criteria provided, single submitter. Criteria: DASA Assertion Criteria. Collection method: clinical testing. Allele origin: germline.
Comment: NM_000179.3(MSH6):c.2501G>A (p.Ser834Asn) is a missense variant that results in the substitution of serine with asparagine. This variant is rare in population databases. The currently available literature and clinical evidence are not sufficient to establish a definitive association between this variant and the reported condition. Therefore, this variant is classified as a variant of uncertain significance.

Color Diagnostics, LLC DBA Color Health
Classification: Uncertain significance for Hereditary cancer-predisposing syndrome. Last evaluated: 2025-06-11. Review status: criteria provided, single submitter. Criteria: ACMG Guidelines, 2015. Collection method: clinical testing. Allele origin: germline.
Comment: This missense variant replaces serine with asparagine at codon 834 of the MSH6 protein. Computational prediction suggests that this variant may not impact protein structure and function. To our knowledge, functional studies have not been reported for this variant. This variant has not been reported in individuals affected with MSH6-related disorders in the literature. This variant has been identified in 1/248568 chromosomes in the general population by the Genome Aggregation Database (gnomAD). The available evidence is insufficient to determine the role of this variant in disease conclusively. Therefore, this variant is classified as a Variant of Uncertain Significance.

Ambry Genetics
Classification: Uncertain significance for Hereditary cancer-predisposing syndrome. Last evaluated: 2024-12-13. Review status: criteria provided, single submitter. Criteria: Ambry Variant Classification Scheme 2023. Collection method: clinical testing. Allele origin: germline.
Comment: The p.S834N variant (also known as c.2501G>A), located in coding exon 4 of the MSH6 gene, results from a G to A substitution at nucleotide position 2501. The serine at codon 834 is replaced by asparagine, an amino acid with highly similar properties. This amino acid position is not well conserved in available vertebrate species. In addition, this alteration is predicted to be tolerated by in silico analysis. Based on the available evidence, the clinical significance of this variant remains unclear.

All of Us Research Program, National Institutes of Health
Classification: Uncertain significance for Lynch syndrome. Last evaluated: 2023-12-07. Review status: criteria provided, single submitter. Criteria: ACMG Guidelines, 2015. Collection method: clinical testing. Allele origin: germline. Inheritance: Autosomal dominant inheritance. Observed: 3 variant alleles, 3 heterozygotes.
Comment: This missense variant replaces serine with asparagine at codon 834 of the MSH6 protein. Computational prediction suggests that this variant may not impact protein structure and function (internally defined REVEL score threshold <= 0.5, PMID: 27666373). To our knowledge, functional studies have not been reported for this variant. This variant has not been reported in individuals affected with hereditary cancer in the literature. This variant has been identified in 1/248568 chromosomes in the general population by the Genome Aggregation Database (gnomAD). The available evidence is insufficient to determine the role of this variant in disease conclusively. Therefore, this variant is classified as a Variant of Uncertain Significance.

This study involves interpretation of variants in research participants for the purpose of population health screening. Participant phenotype was not available at the time of variant classification. Additional details can be found in publication PMID: 35346344, PMCID: PMC8962531

Baylor Genetics
Classification: Uncertain significance for Endometrial carcinoma. Last evaluated: 2023-07-26. Review status: criteria provided, single submitter. Criteria: ACMG Guidelines, 2015. Collection method: clinical testing. Allele origin: unknown.

Mendelics
Classification: Uncertain significance. Last evaluated: 2022-05-04. Review status: criteria provided, single submitter. Criteria: Mendelics Assertion Criteria 2019. Collection method: clinical testing. Allele origin: germline.

Quest Diagnostics Nichols Institute San Juan Capistrano
Classification: Uncertain significance. Last evaluated: 2019-12-17. Review status: criteria provided, single submitter. Criteria: Quest Diagnostics criteria. Collection method: clinical testing. Allele origin: unknown.

Literature cited by the submitters: PubMed 27028851 (cited by Quest Diagnostics Nichols Institute San Juan Capistrano).

NM_000179.3(MSH6):c.2501G>A (p.Ser834Asn)

Gene: MSH6 (mutS homolog 6; plus strand). Cytogenetic location: 2p16.3.
Variant type: single nucleotide variant.
Coding change: c.2501G>A on transcript NM_000179.3 (MANE Select); coding-DNA position 2501, G replaced by A.
Protein change: p.Ser834Asn; replaces serine 834 with asparagine.
Molecular consequence: missense variant.
Genome position (GRCh38, 1-based): chr2:47,800,484, G>A. VCF-style: chr2-47800484-G-A. GRCh37 (hg19) VCF-style: chr2-48027623-G-A.
Other names: c.2111G>A, p.Ser704Asn (NM_001281492.2); c.1595G>A, p.Ser532Asn (NM_001281493.2, NM_001281494.2); short protein forms S834N, S532N, S704N.
Identifiers: ClinVar variation 231561 (VCV000231561.28), dbSNP rs752544046, ClinGen allele CA069123.